The following is an entry in ClinVar:

NM_000465.4(BARD1):c.2031C>T (p.Phe677=)

Gene: BARD1 (BRCA1 associated RING domain 1; minus strand). Cytogenetic location: 2q35.
Variant type: single nucleotide variant.
Coding change: c.2031C>T on transcript NM_000465.4 (MANE Select); coding-DNA position 2031, C replaced by T.
Protein change: p.Phe677=; no amino-acid change (phenylalanine 677 retained).
Molecular consequence: synonymous variant. On other transcripts: non-coding transcript variant (3).
Genome position (GRCh38, 1-based): chr2:214,728,979, G>A on the plus strand (C>T on the coding strand, the complement: BARD1 is on the minus strand). VCF-style: chr2-214728979-G-A. GRCh37 (hg19) VCF-style: chr2-215593703-G-A.
Other names: c.1974C>T, p.Phe658= (NM_001282543.2); c.678C>T, p.Phe226= (NM_001282545.2); c.621C>T, p.Phe207= (NM_001282548.2); c.492C>T, p.Phe164= (NM_001282549.2); c.2031C>T (NM_000465.2).
Identifiers: ClinVar variation 923738 (VCV000923738.8), dbSNP rs573443019, ClinGen allele CA2090084.
Genomic context (GRCh38, chr2:214,728,979, plus strand): 5'-TGCAGTGACGAGCTTAATAAGGTTGTCCTTTGGATGGTGTTTGAAGGTTCCCCACAAATA[G>A]AAGTAGCATCCATCAAACAGCTTTGGCAACTGAAATAATGAGAAAACATTTGTTAAAGGC-3'
Protein context (NP_000456.2, residues 667-687): LLPKLFDGCY[Phe677=]YLWGTFKHHP

ClinVar aggregate classification (germline): Benign/Likely benign. Review status: criteria provided, multiple submitters, no conflicts (2 of 4 stars). 4 submissions from 4 submitters: Benign (1); Likely benign (3). Last evaluated 2024-07-29.

Conditions:
Hereditary cancer-predisposing syndrome. Also called: Neoplastic Syndromes, Hereditary; Tumor predisposition; Hereditary Cancer Syndrome; Hereditary neoplastic syndrome. Identifiers: Orphanet 140162, MedGen C0027672, MeSH D009386, MONDO:0015356.
Familial cancer of breast. Also called: BREAST CANCER, FAMILIAL; hereditary breast carcinoma; Hereditary breast cancer. Identifiers: Orphanet 227535, MedGen C0346153, MONDO:0016419, OMIM 114480. Disease mechanism: loss of function.

Allele frequency attached by ClinVar (database versions not stated): gnomAD exomes below 0.00001; ExAC 0.00001; gnomAD 0.00001; 1000 Genomes Project 0.00020; 1000 Genomes Project 30x 0.00031.
gnomAD v4.1: 2 of 1,614,118 alleles (0.00012%); highest among the groups gnomAD compares: Admixed American, 0.0017%; no homozygotes.

Submissions (4):

Myriad Genetics, Inc.
Classification: Benign for Familial cancer of breast. Last evaluated: 2024-07-29. Review status: criteria provided, single submitter. Criteria: Myriad Autosomal Dominant, Autosomal Recessive and X-Linked Classification Criteria (2023). Collection method: clinical testing. Allele origin: unknown.
Comment: This variant is considered benign. This variant is a silent/synonymous amino acid change and it is not expected to impact splicing.

Labcorp Genetics (formerly Invitae), Labcorp
Classification: Likely benign for Familial cancer of breast. Last evaluated: 2023-10-04. Review status: criteria provided, single submitter. Criteria: Invitae Variant Classification Sherloc (09022015). Collection method: clinical testing. Allele origin: germline.

Ambry Genetics
Classification: Likely benign for Hereditary cancer-predisposing syndrome. Last evaluated: 2020-02-06. Review status: criteria provided, single submitter. Criteria: Ambry Variant Classification Scheme 2023. Collection method: clinical testing. Allele origin: germline.

Color Diagnostics, LLC DBA Color Health
Classification: Likely benign for Hereditary cancer-predisposing syndrome. Last evaluated: 2018-12-10. Review status: criteria provided, single submitter. Criteria: ACMG Guidelines, 2015. Collection method: clinical testing. Allele origin: germline.